The following is an entry in ClinVar:

NM_052989.3(IFT122):c.2645A>G (p.Gln882Arg)

Gene: IFT122 (intraflagellar transport 122; plus strand). Cytogenetic location: 3q22.1.
Variant type: single nucleotide variant.
Coding change: c.2645A>G on transcript NM_052989.3 (MANE Select); coding-DNA position 2645, A replaced by G.
Protein change: p.Gln882Arg; replaces glutamine 882 with arginine.
Molecular consequence: missense variant.
Genome position (GRCh38, 1-based): chr3:129,504,416, A>G. VCF-style: chr3-129504416-A-G. GRCh37 (hg19) VCF-style: chr3-129223259-A-G.
Other names: c.2621A>G, p.Gln874Arg (NM_001280541.2); c.2195A>G, p.Gln732Arg (NM_001280545.2); c.2018A>G, p.Gln673Arg (NM_001280546.2); c.2645A>G, p.Gln882Arg (NM_001410808.1); c.2591A>G, p.Gln864Arg (NM_001410809.1); c.2468A>G, p.Gln823Arg (NM_001410810.1, NM_018262.4); c.2414A>G, p.Gln805Arg (NM_001410811.1, NM_001410813.1); c.2312A>G, p.Gln771Arg (NM_001410815.1, NM_052990.3); and 2 more; short protein forms Q673R, Q805R, Q823R, Q874R, Q933R, Q732R, Q753R, Q771R.
Identifiers: ClinVar variation 2060128 (VCV002060128.3), dbSNP rs758431632, ClinGen allele CA2606596.

ClinVar aggregate classification (germline): Uncertain significance. Review status: criteria provided, multiple submitters, no conflicts (2 of 4 stars). 2 submissions from 2 submitters: Uncertain significance (2). Last evaluated 2024-04-03.

Conditions:
Cranioectodermal dysplasia 1 (CED1). Also called: LEVIN SYNDROME I. Identifiers: Orphanet 1515, MedGen C0432235, MONDO:0021093, OMIM 218330.

Allele frequency attached by ClinVar (database versions not stated): ExAC 0.00001; gnomAD exomes 0.00001; TOPMed 0.00002; gnomAD 0.00003.
gnomAD v4.1: 10 of 1,613,180 alleles (0.00062%); highest among the groups gnomAD compares: Non-Finnish European, 0.00085%; no homozygotes.

Submissions (2):

Fulgent Genetics
Classification: Uncertain significance for Cranioectodermal dysplasia 1. Last evaluated: 2024-04-03. Review status: criteria provided, single submitter. Criteria: ACMG Guidelines, 2015. Collection method: clinical testing. Allele origin: germline.

Labcorp Genetics (formerly Invitae), Labcorp
Classification: Uncertain significance for Cranioectodermal dysplasia 1. Last evaluated: 2022-05-31. Review status: criteria provided, single submitter. Criteria: Invitae Variant Classification Sherloc (09022015). Collection method: clinical testing. Allele origin: germline.
Comment: In summary, the available evidence is currently insufficient to determine the role of this variant in disease. Therefore, it has been classified as a Variant of Uncertain Significance. Algorithms developed to predict the effect of missense changes on protein structure and function are either unavailable or do not agree on the potential impact of this missense change (SIFT: "Tolerated"; PolyPhen-2: "Probably Damaging"; Align-GVGD: "Class C0"). This variant has not been reported in the literature in individuals affected with IFT122-related conditions. This variant is present in population databases (rs758431632, gnomAD 0.002%). This sequence change replaces glutamine, which is neutral and polar, with arginine, which is basic and polar, at codon 933 of the IFT122 protein (p.Gln933Arg).